The following is an entry in ClinVar:

ClinVar aggregate classification (germline): Uncertain significance (1 of 4 stars; one submission).

Conditions:
VPS13A-related neurodegenerative disease. Also called: VPS13A Disease; Choreaacanthocytosis; Choreoacanthocytosis; Chorea-acanthocytosis; ACANTHOCYTOSIS WITH NEUROLOGIC DISORDER; LEVINE-CRITCHLEY SYNDROME. Identifiers: Orphanet 2388, MedGen C0393576, MONDO:0008695, OMIM 200150.

gnomAD v4.1: 12 of 1,613,864 alleles (0.00074%); highest among the groups gnomAD compares: African/African-American, 0.0013%; no homozygotes.

Submission:

Myriad Genetics, Inc.
Classification: Uncertain significance for VPS13A-related neurodegenerative disease. Last evaluated: 2025-10-13. Review status: criteria provided, single submitter. Criteria: Myriad Autosomal Dominant, Autosomal Recessive and X-Linked Classification Criteria (2023). Collection method: clinical testing. Allele origin: unknown.
Comment: NM_033305.2(VPS13A):c.5249G>A(R1750H) is a missense variant classified as a variant of uncertain significance in the context of VPS13A disease. R1750H has not been observed in cases with relevant disease. Relevant functional assessments of this variant are not available in the literature. R1750H has been observed in referenced population frequency databases. In summary, there is insufficient evidence to classify NM_033305.2(VPS13A):c.5249G>A(R1750H) as pathogenic or benign. Please note: this variant was assessed in the context of healthy population screening.

NM_033305.3(VPS13A):c.5249G>A (p.Arg1750His)

Gene: VPS13A (vacuolar protein sorting 13 homolog A; plus strand). Cytogenetic location: 9q21.2.
Variant type: single nucleotide variant.
Coding change: c.5249G>A on transcript NM_033305.3 (MANE Select); coding-DNA position 5249, G replaced by A.
Protein change: p.Arg1750His; replaces arginine 1750 with histidine.
Molecular consequence: missense variant.
Genome position (GRCh38, 1-based): chr9:77,318,527, G>A. VCF-style: chr9-77318527-G-A. GRCh37 (hg19) VCF-style: chr9-79933443-G-A.
Other names: c.5132G>A, p.Arg1711His (NM_001018037.2); c.5249G>A, p.Arg1750His (NM_001018038.3, NM_015186.4); short protein forms R1711H, R1750H.
Identifiers: ClinVar variation 5003350 (VCV005003350.1).